The following is an entry in ClinVar:

ClinVar aggregate classification (germline): Uncertain significance (1 of 4 stars; one submission).

Conditions:
Joubert syndrome 14 (JBTS14). Identifiers: MedGen C3280766, MONDO:0013745, OMIM 614424.

Submission:

Labcorp Genetics (formerly Invitae), Labcorp
Classification: Uncertain significance for Joubert syndrome 14. Last evaluated: 2020-11-27. Review status: criteria provided, single submitter. Criteria: Invitae Variant Classification Sherloc (09022015). Collection method: clinical testing. Allele origin: germline.
Comment: In summary, the available evidence is currently insufficient to determine the role of this variant in disease. Therefore, it has been classified as a Variant of Uncertain Significance. Algorithms developed to predict the effect of missense changes on protein structure and function (SIFT, PolyPhen-2, Align-GVGD) all suggest that this variant is likely to be disruptive, but these predictions have not been confirmed by published functional studies and their clinical significance is uncertain. This variant has not been reported in the literature in individuals with TMEM237-related conditions. This variant is not present in population databases (ExAC no frequency). This sequence change replaces serine with cysteine at codon 256 of the TMEM237 protein (p.Ser256Cys). The serine residue is highly conserved and there is a moderate physicochemical difference between serine and cysteine.

NM_001044385.3(TMEM237):c.767C>G (p.Ser256Cys)

Gene: TMEM237 (transmembrane protein 237; minus strand). Cytogenetic location: 2q33.1.
Variant type: single nucleotide variant.
Coding change: c.767C>G on transcript NM_001044385.3 (MANE Select); coding-DNA position 767, C replaced by G.
Protein change: p.Ser256Cys; replaces serine 256 with cysteine.
Molecular consequence: missense variant.
Genome position (GRCh38, 1-based): chr2:201,629,332, G>C on the plus strand (C>G on the coding strand, the complement: TMEM237 is on the minus strand). VCF-style: chr2-201629332-G-C. GRCh37 (hg19) VCF-style: chr2-202494055-G-C.
Other names: c.743C>G, p.Ser248Cys (NM_152388.4); short protein forms S256C, S248C.
Identifiers: ClinVar variation 1499234 (VCV001499234.8), dbSNP rs2105898977, ClinGen allele CA350309062.
Genomic context (GRCh38, chr2:201,629,332, plus strand): 5'-AGAAGACTCTGGAATGGATACGCTAGGGTCTTGTATTGTTGCAGAAGGTTTGAGAGGTTG[G>C]ATAGCTGATCTCCTGCTAGAACATATATCACAACAATATTCCACACAGCACAGCCAGCCA-3'
Protein context (NP_001037850.1, residues 246-266): VIYVLAGDQL[Ser256Cys]NLSNLLQQYK